The following is an entry in ClinVar:

NM_020297.4(ABCC9):c.3283C>A (p.Arg1095Ser)

Gene: ABCC9 (ATP binding cassette subfamily C member 9; minus strand). Cytogenetic location: 12p12.1.
Variant type: single nucleotide variant.
Coding change: c.3283C>A on transcript NM_020297.4 (MANE Select); coding-DNA position 3283, C replaced by A.
Protein change: p.Arg1095Ser; replaces arginine 1095 with serine.
Molecular consequence: missense variant.
Genome position (GRCh38, 1-based): chr12:21,844,515, G>T on the plus strand (C>A on the coding strand, the complement: ABCC9 is on the minus strand). VCF-style: chr12-21844515-G-T. GRCh37 (hg19) VCF-style: chr12-21997449-G-T.
Other names: c.3283C>A, p.Arg1095Ser (NM_001377273.1, NM_005691.4); c.2416C>A, p.Arg806Ser (NM_001377274.1); short protein forms R1095S, R806S.
Identifiers: ClinVar variation 4804579 (VCV004804579.1).

ClinVar aggregate classification (germline): Uncertain significance (1 of 4 stars; one submission).

Conditions:
Dilated cardiomyopathy 1O (CMD1O). Also called: CARDIOMYOPATHY, DILATED, WITH VENTRICULAR TACHYCARDIA. Identifiers: Orphanet 154, MedGen C1837839, MONDO:0012062, OMIM 608569.

gnomAD v4.1: 1 of 1,613,720 alleles (0.000062%); highest among the groups gnomAD compares: Non-Finnish European, 0.000085%; no homozygotes.

Submission:

Labcorp Genetics (formerly Invitae), Labcorp
Classification: Uncertain significance for Dilated cardiomyopathy 1O. Last evaluated: 2025-03-09. Review status: criteria provided, single submitter. Criteria: Invitae Variant Classification Sherloc (09022015). Collection method: clinical testing. Allele origin: germline.
Comment: This sequence change replaces arginine, which is basic and polar, with serine, which is neutral and polar, at codon 1095 of the ABCC9 protein (p.Arg1095Ser). This variant is present in population databases (no rsID available, gnomAD 0.0009%). This variant has not been reported in the literature in individuals affected with ABCC9-related conditions. Invitae Evidence Modeling of protein sequence and biophysical properties (such as structural, functional, and spatial information, amino acid conservation, physicochemical variation, residue mobility, and thermodynamic stability) indicates that this missense variant is expected to disrupt ABCC9 protein function with a positive predictive value of 95%. In summary, the available evidence is currently insufficient to determine the role of this variant in disease. Therefore, it has been classified as a Variant of Uncertain Significance.